The following is an entry in ClinVar:

NM_015509.4(NECAP1):c.437G>A (p.Arg146His)

Gene: NECAP1 (NECAP endocytosis associated 1; plus strand). Cytogenetic location: 12p13.31.
Variant type: single nucleotide variant.
Coding change: c.437G>A on transcript NM_015509.4 (MANE Select); coding-DNA position 437, G replaced by A.
Protein change: p.Arg146His; replaces arginine 146 with histidine.
Molecular consequence: missense variant. On other transcripts: non-coding transcript variant (1).
Genome position (GRCh38, 1-based): chr12:8,092,729, G>A. VCF-style: chr12-8092729-G-A. GRCh37 (hg19) VCF-style: chr12-8245325-G-A.
Other names: c.437G>A (NM_015509.3); short protein forms R146H.
Identifiers: ClinVar variation 1361941 (VCV001361941.7), dbSNP rs769210779, ClinGen allele CA6432272.
Genomic context (GRCh38, chr12:8,092,729, plus strand): 5'-CCCAAAGGTGGGTAAAGCAGGAATCTGAGATTTCCAAGGAATCTCAAGAAATGGATGCTC[G>A]TCCTAAGTTGGATCTGGGCTTCAAGGAAGGACAAACCATCAAGTTGTGTATCGGGGTGAG-3'
Protein context (NP_056324.2, residues 136-156): ISKESQEMDA[Arg146His]PKLDLGFKEG

ClinVar aggregate classification (germline): Uncertain significance. Review status: criteria provided, multiple submitters, no conflicts (2 of 4 stars). 2 submissions from 2 submitters: Uncertain significance (2). Last evaluated 2023-09-12.

Conditions:
Developmental and epileptic encephalopathy, 21 (DEE21). Also called: Early infantile epileptic encephalopathy 21. Identifiers: Orphanet 442835, MedGen C4014430, MONDO:0014360, OMIM 615833.
Inborn genetic diseases. Identifiers: MedGen C0950123, MeSH D030342.

Allele frequency attached by ClinVar (database versions not stated): ExAC 0.00002; gnomAD 0.00002 and 0.00003; gnomAD exomes 0.00002; TOPMed 0.00004.
gnomAD v4.1: 37 of 1,613,810 alleles (0.0023%); highest among the groups gnomAD compares: Non-Finnish European, 0.003%; no homozygotes.

Submissions (2):

Ambry Genetics
Classification: Uncertain significance for Inborn genetic diseases. Last evaluated: 2023-09-12. Review status: criteria provided, single submitter. Criteria: Ambry Variant Classification Scheme 2023. Collection method: clinical testing. Allele origin: germline.

Labcorp Genetics (formerly Invitae), Labcorp
Classification: Uncertain significance for Developmental and epileptic encephalopathy, 21. Last evaluated: 2022-03-19. Review status: criteria provided, single submitter. Criteria: Invitae Variant Classification Sherloc (09022015). Collection method: clinical testing. Allele origin: germline.
Comment: This sequence change replaces arginine, which is basic and polar, with histidine, which is basic and polar, at codon 146 of the NECAP1 protein (p.Arg146His). This variant is present in population databases (rs769210779, gnomAD 0.005%). This variant has not been reported in the literature in individuals affected with NECAP1-related conditions. Algorithms developed to predict the effect of missense changes on protein structure and function (SIFT, PolyPhen-2, Align-GVGD) all suggest that this variant is likely to be tolerated. In summary, the available evidence is currently insufficient to determine the role of this variant in disease. Therefore, it has been classified as a Variant of Uncertain Significance.